The following is an entry in ClinVar:

ClinVar aggregate classification (germline): Uncertain significance. Review status: criteria provided, multiple submitters, no conflicts (2 of 4 stars). 2 submissions from 2 submitters: Uncertain significance (2). Last evaluated 2023-03-31.

Conditions:
Inborn genetic diseases. Identifiers: MedGen C0950123, MeSH D030342.

Allele frequency attached by ClinVar (database versions not stated): ExAC 0.00002; gnomAD exomes 0.00002; TOPMed 0.00002; gnomAD 0.00003; ESP Exome Variant Server 0.00008.
gnomAD v4.1: 28 of 1,614,028 alleles (0.0017%); highest among the groups gnomAD compares: Non-Finnish European, 0.0022%; no homozygotes.

Submissions (2):

Ambry Genetics
Classification: Uncertain significance for Inborn genetic diseases. Last evaluated: 2023-03-31. Review status: criteria provided, single submitter. Criteria: Ambry Variant Classification Scheme 2023. Collection method: clinical testing. Allele origin: germline.

Labcorp Genetics (formerly Invitae), Labcorp
Classification: Uncertain significance. Last evaluated: 2022-07-01. Review status: criteria provided, single submitter. Criteria: Invitae Variant Classification Sherloc (09022015). Collection method: clinical testing. Allele origin: germline.
Comment: This sequence change replaces arginine, which is basic and polar, with histidine, which is basic and polar, at codon 436 of the TRAIP protein (p.Arg436His). This variant is present in population databases (rs148292576, gnomAD 0.003%). This variant has not been reported in the literature in individuals affected with TRAIP-related conditions. Algorithms developed to predict the effect of missense changes on protein structure and function output the following: SIFT: "Deleterious"; PolyPhen-2: "Benign"; Align-GVGD: "Class C0". The histidine amino acid residue is found in multiple mammalian species, which suggests that this missense change does not adversely affect protein function. In summary, the available evidence is currently insufficient to determine the role of this variant in disease. Therefore, it has been classified as a Variant of Uncertain Significance.

NM_005879.3(TRAIP):c.1307G>A (p.Arg436His)

Gene: TRAIP (TRAF interacting protein; minus strand). Cytogenetic location: 3p21.31.
Variant type: single nucleotide variant.
Coding change: c.1307G>A on transcript NM_005879.3 (MANE Select); coding-DNA position 1307, G replaced by A.
Protein change: p.Arg436His; replaces arginine 436 with histidine.
Molecular consequence: missense variant.
Genome position (GRCh38, 1-based): chr3:49,829,206, C>T on the plus strand (G>A on the coding strand, the complement: TRAIP is on the minus strand). VCF-style: chr3-49829206-C-T. GRCh37 (hg19) VCF-style: chr3-49866639-C-T.
Other names: c.1307G>A (NM_005879.2); short protein forms R436H.
Identifiers: ClinVar variation 1901908 (VCV001901908.4), dbSNP rs148292576, ClinGen allele CA2407513.